The following is an entry in ClinVar:

NM_000368.5(TSC1):c.2509A>C (p.Asn837His)

Gene: TSC1 (TSC complex subunit 1; minus strand). Cytogenetic location: 9q34.13.
Variant type: single nucleotide variant.
Coding change: c.2509A>C on transcript NM_000368.5 (MANE Select); coding-DNA position 2509, A replaced by C.
Protein change: p.Asn837His; replaces asparagine 837 with histidine.
Molecular consequence: missense variant. On other transcripts: non-coding transcript variant (5).
Genome position (GRCh38, 1-based): chr9:132,900,831, T>G on the plus strand (A>C on the coding strand, the complement: TSC1 is on the minus strand). VCF-style: chr9-132900831-T-G. GRCh37 (hg19) VCF-style: chr9-135776218-T-G.
Other names: c.2143A>C, p.Asn715His (NM_001406620.1, NM_001406621.1, NM_001406622.1 and 1 more transcripts); c.2104A>C, p.Asn702His (NM_001406624.1); c.2101A>C, p.Asn701His (NM_001406625.1); c.1558A>C, p.Asn520His (NM_001406626.1); c.1555A>C, p.Asn519His (NM_001406627.1, NM_001406628.1); c.1456A>C, p.Asn486His (NM_001406629.1, NM_001406630.1); c.2506A>C, p.Asn836His (NM_001162426.2, NM_001406597.1, NM_001406598.1 and 2 more transcripts); c.2356A>C, p.Asn786His (NM_001162427.2, NM_001406610.1); and 8 more; short protein forms N486H, N771H, N823H, N837H, N520H, N702H, N786H, N831H.
Identifiers: ClinVar variation 2562861 (VCV002562861.2), dbSNP rs2538553379, ClinGen allele CA375370352.
Genomic context (GRCh38, chr9:132,900,831, plus strand): 5'-CCCCAAGAACCAACAGCTGCCTGTTCAAGAACTCCATCTGCTGCTGGACCGACTCACTGT[T>G]TGAGAGCTAACCAAAAAACATGAGCAAAGTGAAAAATCCGACGACATAAAACTAGCACAT-3'
Protein context (NP_000359.1, residues 827-847): LLSQVSQKLS[Asn837His]SESVQQQMEF

ClinVar aggregate classification (germline): Uncertain significance (1 of 4 stars; one submission).

Conditions:
Hereditary cancer-predisposing syndrome. Also called: Neoplastic Syndromes, Hereditary; Hereditary Cancer Syndrome; Hereditary neoplastic syndrome; Tumor predisposition. Identifiers: Orphanet 140162, MedGen C0027672, MeSH D009386, MONDO:0015356.

Submission:

Ambry Genetics
Classification: Uncertain significance for Hereditary cancer-predisposing syndrome. Last evaluated: 2023-04-18. Review status: criteria provided, single submitter. Criteria: Ambry Variant Classification Scheme 2023. Collection method: clinical testing. Allele origin: germline.
Comment: The p.N837H variant (also known as c.2509A>C), located in coding exon 18 of the TSC1 gene, results from an A to C substitution at nucleotide position 2509. The asparagine at codon 837 is replaced by histidine, an amino acid with similar properties. This amino acid position is conserved. In addition, the in silico prediction for this alteration is inconclusive. Since supporting evidence is limited at this time, the clinical significance of this alteration remains unclear.